The following is an entry in ClinVar:

NM_025179.4(PLXNA2):c.3579C>T (p.Thr1193=)

Gene: PLXNA2 (plexin A2; minus strand). Cytogenetic location: 1q32.2.
Variant type: single nucleotide variant.
Coding change: c.3579C>T on transcript NM_025179.4 (MANE Select); coding-DNA position 3579, C replaced by T.
Protein change: p.Thr1193=; no amino-acid change (threonine 1193 retained).
Molecular consequence: synonymous variant.
Genome position (GRCh38, 1-based): chr1:208,045,127, G>A on the plus strand (C>T on the coding strand, the complement: PLXNA2 is on the minus strand). VCF-style: chr1-208045127-G-A. GRCh37 (hg19) VCF-style: chr1-208218472-G-A.
Identifiers: ClinVar variation 800050 (VCV000800050.12), dbSNP rs539418936, ClinGen allele CA1373152.

ClinVar aggregate classification (germline): Likely benign. Review status: criteria provided, single submitter (1 of 4 stars). 2 submissions from 2 submitters: Likely benign (1). 1 of the submissions does not count toward it. Last evaluated 2021-05-18.

Conditions:
PLXNA2-related disorder. Also called: PLXNA2-related condition.

Allele frequency attached by ClinVar (database versions not stated): TOPMed 0.00009; 1000 Genomes Project 30x 0.00031; 1000 Genomes Project 0.00040.
gnomAD v4.1: 61 of 1,614,120 alleles (0.0038%); highest among the groups gnomAD compares: East Asian, 0.04%; no homozygotes.

Submissions (2):

Labcorp Genetics (formerly Invitae), Labcorp
Classification: Likely benign. Last evaluated: 2021-05-18. Review status: criteria provided, single submitter. Criteria: Invitae Variant Classification Sherloc (09022015). Collection method: clinical testing. Allele origin: germline.

PreventionGenetics, part of Exact Sciences
Classification: Likely benign for PLXNA2-related condition. Last evaluated: 2021-07-19. Review status: no assertion criteria provided. Collection method: clinical testing. Allele origin: germline. Not counted in ClinVar's aggregate classification.
Comment: This variant is classified as likely benign based on ACMG/AMP sequence variant interpretation guidelines (Richards et al. 2015 PMID: 25741868, with internal and published modifications).